The following is an entry in ClinVar:

ClinVar aggregate classification (germline): Conflicting classifications of pathogenicity. Review status: criteria provided, conflicting classifications (1 of 4 stars). 15 submissions from 14 submitters: Uncertain significance (1); Benign (11). 3 of the submissions do not count toward it. Last evaluated 2026-02-04.

Conditions:
Maturity-onset diabetes of the young (MODY). Also called: Maturity onset diabetes mellitus in young. Identifiers: Orphanet 552, MedGen C0342276, MONDO:0018911, HP:0004904.
Maturity-onset diabetes of the young type 3. Also called: MODY type 3; MODY, type III. Identifiers: Orphanet 552, MedGen C1838100, MeSH C563933, MONDO:0010894, OMIM 600496. Disease mechanism: loss of function.
Nonpapillary renal cell carcinoma. Identifiers: Orphanet 422526, MedGen CN074294, MONDO:0007763, OMIM 144700.
Type 2 diabetes mellitus. Also called: Type II diabetes mellitus. Identifiers: MedGen C0011860, MeSH D003924, MONDO:0005148, OMIM 125853, HP:0005978.

Allele frequency attached by ClinVar (database versions not stated): 1000 Genomes Project 0.18111; 1000 Genomes Project 30x 0.18582; ESP Exome Variant Server 0.23577; gnomAD 0.25042; TOPMed 0.25870; gnomAD exomes 0.26549; ExAC 0.27878.
gnomAD v4.1: 451,958 of 1,605,008 alleles (28%); highest among the groups gnomAD compares: Admixed American, 41%; 67,823 homozygotes.

Submissions (15):

Labcorp Genetics (formerly Invitae), Labcorp
Classification: Benign. Last evaluated: 2026-02-04. Review status: criteria provided, single submitter. Criteria: Invitae Variant Classification Sherloc (09022015). Collection method: clinical testing. Allele origin: germline.

KCCC/NGS Laboratory, Kuwait Cancer Control Center
Classification: Benign for Maturity-onset diabetes of the young type 3. Last evaluated: 2025-02-01. Review status: criteria provided, single submitter. Criteria: ACMG Guidelines, 2015. Collection method: clinical testing. Allele origin: germline. Affected: no.

Blueprint Genetics
Classification: Benign. Last evaluated: 2024-11-27. Review status: criteria provided, single submitter. Criteria: ACMG Guidelines, 2015. Collection method: clinical testing. Allele origin: germline.

KCCC/NGS Laboratory, Kuwait Cancer Control Center
Classification: Benign for Nonpapillary renal cell carcinoma. Last evaluated: 2023-07-07. Review status: criteria provided, single submitter. Criteria: ACMG Guidelines, 2015. Collection method: clinical testing. Allele origin: germline. Affected: yes.

Athena Diagnostics
Classification: Benign. Last evaluated: 2017-07-12. Review status: criteria provided, single submitter. Criteria: Athena Diagnostics Criteria. Collection method: clinical testing. Allele origin: germline.

Illumina Laboratory Services, Illumina
Classification: Benign for Maturity-onset diabetes of the young type 3. Last evaluated: 2017-04-27. Review status: criteria provided, single submitter. Criteria: ICSL Variant Classification Criteria 13 December 2019. Collection method: clinical testing. Allele origin: germline.
Comment: This variant was observed as part of a predisposition screen in an ostensibly healthy population. A literature search was performed for the gene, cDNA change, and amino acid change (where applicable). No publications were found based on this search. Allele frequency data from public databases was too high to be consistent with this variant causing disease. Therefore, this variant is classified as benign.

Ambry Genetics
Classification: Benign for Maturity-onset diabetes of the young. Last evaluated: 2015-03-13. Review status: criteria provided, single submitter. Criteria: Ambry Variant Classification Scheme 2023. Collection method: clinical testing. Allele origin: germline.

Eurofins Ntd Llc (ga)
Classification: Benign. Last evaluated: 2015-01-07. Review status: criteria provided, single submitter. Criteria: EGL Classification Definitions 2015. Collection method: clinical testing. Allele origin: germline. Observed: 5 variant alleles, 3 heterozygotes, 2 homozygotes.

GeneDx
Classification: Benign. Last evaluated: 2013-11-19. Review status: criteria provided, single submitter. Criteria: GeneDx Variant Classification (06012015). Collection method: clinical testing. Allele origin: germline. Affected: yes.
Comment: This variant is considered likely benign or benign based on one or more of the following criteria: it is a conservative change, it occurs at a poorly conserved position in the protein, it is predicted to be benign by multiple in silico algorithms, and/or has population frequency not consistent with disease.

Genetic Services Laboratory, University of Chicago
Classification: Benign for AllHighlyPenetrant. Last evaluated: 2013-02-19. Review status: criteria provided, single submitter. Criteria: ACMG Guidelines, 2007. Collection method: clinical testing. Allele origin: germline. Inheritance: Autosomal dominant inheritance.

Clinical Genomics, Uppaluri K&H Personalized Medicine Clinic
Classification: Uncertain significance for Type 2 diabetes mellitus. Review status: criteria provided, single submitter. Criteria: K&H Uppaluri Personalized Medicine Clinic Variant Classification & Assertion Criteria. Collection method: research. Allele origin: somatic. Inheritance: Autosomal dominant inheritance.
Comment: Mutations in HNF1A gene can predispose to MODY3. It is associated with both micro and macrovascular complications of diabetes, especially cardiovascular complications. HNF1A gene is associated with glucosuria and response to sulfonylureas. However, the role of rs56348580 in the predisposition to diabetes remains unclear.

PreventionGenetics, part of Exact Sciences
Classification: Benign. Review status: criteria provided, single submitter. Criteria: ACMG Guidelines, 2015. Collection method: clinical testing. Allele origin: germline.

Diagnostic Laboratory, Department of Genetics, University Medical Center Groningen
Classification: Benign. Review status: no assertion criteria provided. Collection method: clinical testing. Allele origin: germline. Affected: yes. Study: VKGL Data-share Consensus. Not counted in ClinVar's aggregate classification.

Genome Diagnostics Laboratory, University Medical Center Utrecht
Classification: Benign. Review status: no assertion criteria provided. Collection method: clinical testing. Allele origin: germline. Affected: yes. Study: VKGL Data-share Consensus. Not counted in ClinVar's aggregate classification.

Laboratory of Diagnostic Genome Analysis, Leiden University Medical Center (LUMC)
Classification: Benign. Review status: no assertion criteria provided. Collection method: clinical testing. Allele origin: germline. Affected: yes. Study: VKGL Data-share Consensus. Not counted in ClinVar's aggregate classification.

Literature cited by the submitters: PubMed 10634407 (cited by Athena Diagnostics); PubMed 15883474 (cited by Athena Diagnostics); PubMed 15928245 (cited by Athena Diagnostics); PubMed 16963153 (cited by Athena Diagnostics); PubMed 17407072 (cited by Athena Diagnostics); PubMed 17440016 (cited by Athena Diagnostics); PubMed 17573900 (cited by Athena Diagnostics); PubMed 17937063 (cited by Athena Diagnostics); PubMed 18811724 (cited by Athena Diagnostics); PubMed 8945470 (cited by Athena Diagnostics); PubMed 9112026 (cited by Athena Diagnostics); PubMed 9604876 (cited by Athena Diagnostics); DOI 10.1038/s41439-021-00156-8 (cited by Clinical Genomics, Uppaluri K&H Personalized Medicine Clinic).

NM_000545.8(HNF1A):c.864G>C (p.Gly288=)

Gene: HNF1A (HNF1 homeobox A; plus strand). Cytogenetic location: 12q24.31.
Variant type: single nucleotide variant.
Coding change: c.864G>C on transcript NM_000545.8 (MANE Select); coding-DNA position 864, G replaced by C.
Protein change: p.Gly288=; no amino-acid change (glycine 288 retained).
Molecular consequence: synonymous variant.
Genome position (GRCh38, 1-based): chr12:120,994,314, G>C. VCF-style: chr12-120994314-G-C. GRCh37 (hg19) VCF-style: chr12-121432117-G-C.
Other names: p.G288G:GGG>GGC; c.864G>C (NM_000545.6); c.864G>C, p.Gly288= (NM_001306179.2).
Identifiers: ClinVar variation 129236 (VCV000129236.34), dbSNP rs56348580, ClinGen allele CA153103.